The following is an entry in ClinVar:

ClinVar aggregate classification (germline): Uncertain significance (1 of 4 stars; one submission).

Conditions:
Inborn genetic diseases. Identifiers: MedGen C0950123, MeSH D030342.

gnomAD v4.1: 1 of 1,612,836 alleles (0.000062%); highest among the groups gnomAD compares: Non-Finnish European, 0.000085%; no homozygotes.

Submission:

Ambry Genetics
Classification: Uncertain significance for Inborn genetic diseases. Last evaluated: 2026-03-24. Review status: criteria provided, single submitter. Criteria: Ambry Variant Classification Scheme 2023. Collection method: clinical testing. Allele origin: germline.
Comment: The p.F390L variant (also known as c.1168T>C), located in coding exon 6 of the RECQL4 gene, results from a T to C substitution at nucleotide position 1168. The phenylalanine at codon 390 is replaced by leucine, an amino acid with highly similar properties. This amino acid position is conserved. In addition, this alteration is predicted to be tolerated by in silico analysis. Based on the available evidence, the clinical significance of this variant remains unclear.

NM_004260.4(RECQL4):c.1168T>C (p.Phe390Leu)

Gene: RECQL4 (RecQ like helicase 4; minus strand). Cytogenetic location: 8q24.3.
Variant type: single nucleotide variant.
Coding change: c.1168T>C on transcript NM_004260.4 (MANE Select); coding-DNA position 1168, T replaced by C.
Protein change: p.Phe390Leu; replaces phenylalanine 390 with leucine.
Molecular consequence: missense variant. On other transcripts: non-coding transcript variant (3), intron variant (1).
Genome position (GRCh38, 1-based): chr8:144,515,854, A>G on the plus strand (T>C on the coding strand, the complement: RECQL4 is on the minus strand). VCF-style: chr8-144515854-A-G. GRCh37 (hg19) VCF-style: chr8-145741238-A-G.
Other names: c.97T>C, p.Phe33Leu (NM_001413023.1, NM_001413024.1, NM_001413028.1 and 8 more transcripts); c.1039T>C, p.Phe347Leu (NM_001413025.1); c.35T>C, p.Phe12Ser (NM_001413027.1, NM_001413030.1, NM_001413031.1 and 2 more transcripts); c.817T>C, p.Phe273Leu (NM_001413029.1); c.1168T>C, p.Phe390Leu (NM_001413033.1, NM_001413018.1, NM_001413019.1 and 2 more transcripts); c.1072T>C, p.Phe358Leu (NM_001413017.1, NM_001413020.1); c.-210+134T>C (NM_001413043.1); short protein forms F12S, F273L, F33L, F347L, F358L, F390L.
Identifiers: ClinVar variation 4863146 (VCV004863146.1).